The following is an entry in ClinVar:

ClinVar aggregate classification (germline): Uncertain significance (1 of 4 stars; one submission).

Conditions:
Charcot-Marie-Tooth Neuropathy X. Identifiers: MedGen CN118851.
Combined oxidative phosphorylation deficiency. Identifiers: MedGen C4540031, MONDO:0000732.

Submission:

Labcorp Genetics (formerly Invitae), Labcorp
Classification: Uncertain significance for Charcot-Marie-Tooth Neuropathy X; Combined oxidative phosphorylation deficiency. Last evaluated: 2023-06-25. Review status: criteria provided, single submitter. Criteria: Invitae Variant Classification Sherloc (09022015). Collection method: clinical testing. Allele origin: germline.
Comment: In summary, the available evidence is currently insufficient to determine the role of this variant in disease. Therefore, it has been classified as a Variant of Uncertain Significance. Advanced modeling of protein sequence and biophysical properties (such as structural, functional, and spatial information, amino acid conservation, physicochemical variation, residue mobility, and thermodynamic stability) has been performed at Invitae for this missense variant, however the output from this modeling did not meet the statistical confidence thresholds required to predict the impact of this variant on AIFM1 protein function. This sequence change replaces glycine, which is neutral and non-polar, with glutamic acid, which is acidic and polar, at codon 471 of the AIFM1 protein (p.Gly471Glu). This variant is not present in population databases (gnomAD no frequency). This missense change has been observed in individual(s) with clinical features of AIFM1-related conditions (Invitae). ClinVar contains an entry for this variant (Variation ID: 1352347).

NM_004208.4(AIFM1):c.1412G>A (p.Gly471Glu)

Genes: AIFM1 (apoptosis inducing factor mitochondria associated 1; minus strand), RAB33A (RAB33A, member RAS oncogene family; plus strand). Cytogenetic location: Xq26.1.
Variant type: single nucleotide variant.
Coding change: c.1412G>A on transcript NM_004208.4 (MANE Select); coding-DNA position 1412, G replaced by A.
Protein change: p.Gly471Glu; replaces glycine 471 with glutamic acid.
Molecular consequence: missense variant. On other transcripts: 3 prime UTR variant (1), non-coding transcript variant (1).
Genome position (GRCh38, 1-based): chrX:130,133,349, C>T on the plus strand (G>A on the coding strand, the complement: AIFM1 is on the minus strand). VCF-style: chrX-130133349-C-T. GRCh37 (hg19) VCF-style: chrX-129267324-C-T.
Other names: c.395G>A, p.Gly132Glu (NM_001130846.4); c.*640G>A (NM_001130847.4); c.1400G>A, p.Gly467Glu (NM_145812.3); short protein forms G467E, G132E, G471E.
Identifiers: ClinVar variation 1352347 (VCV001352347.8), dbSNP rs2124648396, ClinGen allele CA414573249.
Genomic context (GRCh38, chrX:130,133,349, plus strand): 5'-GTCTCCAAGGCACACCACTATTACCAGAACATTGACTGATGCCAGTACGGCTTAGCAGCT[C>T]CAGTCATATTTTCTCCAGCCAATCTTCCACTCACAACAGCGTGATCATGGTGCTCTACCC-3'
Protein context (NP_004199.1, residues 461-481): SGRLAGENMT[Gly471Glu]AAKPYWHQSM